The following is an entry in ClinVar:

ClinVar aggregate classification (germline): Benign/Likely benign. Review status: criteria provided, multiple submitters, no conflicts (2 of 4 stars). 8 submissions from 8 submitters: Benign (6); Likely benign (1). 1 of the submissions does not count toward it. Last evaluated 2026-01-28.

Conditions:
Joubert syndrome 17 (JBTS17). Identifiers: Orphanet 475, MedGen C3553264, MONDO:0013824, OMIM 614615.

Allele frequency attached by ClinVar (database versions not stated): gnomAD 0.01342 and 0.01427; TOPMed 0.01527; 1000 Genomes Project 30x 0.01702; 1000 Genomes Project 0.01737; gnomAD exomes 0.00152 and 0.00315; ExAC 0.00499; ESP Exome Variant Server 0.01292.
gnomAD v4.1: 4,269 of 1,551,234 alleles (0.28%); highest among the groups gnomAD compares: African/African-American, 4.9%; 108 homozygotes.

Submissions (8):

Labcorp Genetics (formerly Invitae), Labcorp
Classification: Benign. Last evaluated: 2026-01-28. Review status: criteria provided, single submitter. Criteria: Invitae Variant Classification Sherloc (09022015). Collection method: clinical testing. Allele origin: germline.

Mayo Clinic Laboratories, Mayo Clinic
Classification: Benign. Last evaluated: 2025-02-20. Review status: criteria provided, single submitter. Criteria: ACMG Guidelines, 2015. Collection method: clinical testing. Allele origin: germline. Observed: 1 variant allele.
Comment: BS1, BS2, BP4, BP7

Blueprint Genetics
Classification: Likely benign. Last evaluated: 2024-11-26. Review status: criteria provided, single submitter. Criteria: ACMG Guidelines, 2015. Collection method: clinical testing. Allele origin: germline.

Illumina Laboratory Services, Illumina
Classification: Benign for Joubert syndrome 17. Last evaluated: 2018-01-13. Review status: criteria provided, single submitter. Criteria: ICSL Variant Classification Criteria 13 December 2019. Collection method: clinical testing. Allele origin: germline.
Comment: This variant was observed in the ICSL laboratory as part of a predisposition screen in an ostensibly healthy population. It had not been previously curated by ICSL or reported in the Human Gene Mutation Database (HGMD: prior to June 1st, 2018), and was therefore a candidate for classification through an automated scoring system. Utilizing variant allele frequency, disease prevalence and penetrance estimates, and inheritance mode, an automated score was calculated to assess if this variant is too frequent to cause the disease. Based on the score and internal cut-off values, a variant classified as benign is not then subjected to further curation. The score for this variant resulted in a classification of benign for this disease.

GeneDx
Classification: Benign. Last evaluated: 2016-11-03. Review status: criteria provided, single submitter. Criteria: GeneDx Variant Classification (06012015). Collection method: clinical testing. Allele origin: germline. Affected: yes.
Comment: This variant is considered likely benign or benign based on one or more of the following criteria: it is a conservative change, it occurs at a poorly conserved position in the protein, it is predicted to be benign by multiple in silico algorithms, and/or has population frequency not consistent with disease.

Breakthrough Genomics
Classification: Benign. Review status: criteria provided, single submitter. Criteria: ACMG Guidelines, 2015. Collection method: not provided. Allele origin: germline. Inheritance: Autosomal recessive inheritance. Affected: yes.

PreventionGenetics, part of Exact Sciences
Classification: Benign. Review status: criteria provided, single submitter. Criteria: ACMG Guidelines, 2015. Collection method: clinical testing. Allele origin: germline.

Genetic Services Laboratory, University of Chicago
Classification: Likely benign. Review status: no assertion criteria provided. Collection method: clinical testing. Allele origin: germline. Inheritance: Autosomal recessive inheritance. Not counted in ClinVar's aggregate classification.
Comment: Likely benign based on allele frequency in 1000 Genomes Project or ESP global frequency and its presence in a patient with a rare or unrelated disease phenotype. NOT Sanger confirmed

NM_001384732.1(CPLANE1):c.1737G>A (p.Ala579=)

Gene: CPLANE1 (ciliogenesis and planar polarity effector complex subunit 1; minus strand). Cytogenetic location: 5p13.2.
Variant type: single nucleotide variant.
Coding change: c.1737G>A on transcript NM_001384732.1 (MANE Select); coding-DNA position 1737, G replaced by A.
Protein change: p.Ala579=; no amino-acid change (alanine 579 retained).
Molecular consequence: synonymous variant.
Genome position (GRCh38, 1-based): chr5:37,226,858, C>T on the plus strand (G>A on the coding strand, the complement: CPLANE1 is on the minus strand). VCF-style: chr5-37226858-C-T. GRCh37 (hg19) VCF-style: chr5-37226960-C-T.
Other names: p.Ala579=; c.1737G>A, p.Ala579= (NM_023073.4).
Identifiers: ClinVar variation 158027 (VCV000158027.23), dbSNP rs13356183, ClinGen allele CA171420.